The following is an entry in ClinVar:

NM_024513.4(FYCO1):c.4362-2A>G

Gene: FYCO1 (FYVE and coiled-coil domain autophagy adaptor 1; minus strand). Cytogenetic location: 3p21.31.
Variant type: single nucleotide variant.
Coding change: c.4362-2A>G on transcript NM_024513.4 (MANE Select); the canonical splice acceptor site of the intron before coding-DNA position 4362, A replaced by G.
Molecular consequence: splice acceptor variant. On other transcripts: intron variant (2).
Genome position (GRCh38, 1-based): chr3:45,921,842, T>C on the plus strand (A>G on the coding strand, the complement: FYCO1 is on the minus strand). VCF-style: chr3-45921842-T-C. GRCh37 (hg19) VCF-style: chr3-45963334-T-C.
Other names: c.3762-2A>G (NM_001386430.1); c.4242-2A>G (NM_001386426.1); c.4218-2A>G (NM_001386427.1); c.4359-2A>G (NM_001386423.1); c.4252-2777A>G (NM_001386429.1); c.4361+1814A>G (NM_001386425.1); c.4362-2A>G (NM_001386421.1, NM_001386422.1).
Identifiers: ClinVar variation 992862 (VCV000992862.7), dbSNP rs764470073, ClinGen allele CA2352311.
Genomic context (GRCh38, chr3:45,921,842, plus strand): 5'-CATCGTAGATCACAGGCCGATCAACCGTCAAGTGATAAAATACCTTTTTAGAGACAAACC[T>C]GAGGAAACAGAAATGGAAAGGGAGGGTGTTACCTGAGAGCTGAAAGTCCGAGGGGTGGCA-3'

ClinVar aggregate classification (germline): Conflicting classifications of pathogenicity. Review status: criteria provided, conflicting classifications (1 of 4 stars). 3 submissions from 3 submitters: Pathogenic (1); Likely pathogenic (1); Uncertain significance (1). Last evaluated 2025-07-31.

Conditions:
Cataract 18 (CATC2). Also called: CATARACT 18, AUTOSOMAL RECESSIVE. Identifiers: Orphanet 91492, Orphanet 98991, Orphanet 98992, Orphanet 98995, MedGen C1864908, MONDO:0012395, OMIM 610019.

Allele frequency attached by ClinVar (database versions not stated): TOPMed below 0.00001; ExAC 0.00001; gnomAD exomes 0.00001.
gnomAD v4.1: 13 of 1,603,926 alleles (0.00081%); highest among the groups gnomAD compares: Non-Finnish European, 0.001%; no homozygotes.

Submissions (3):

First Genomix Gene Laboratory, Genetic Diagnostics Department
Classification: Likely pathogenic for Cataract 18. Last evaluated: 2025-07-31. Review status: criteria provided, single submitter. Criteria: ACMG Guidelines, 2015. Collection method: clinical testing. Allele origin: germline. Inheritance: Autosomal recessive inheritance. Affected: no. Observed: 1 variant allele.

Labcorp Genetics (formerly Invitae), Labcorp
Classification: Uncertain significance for Cataract 18. Last evaluated: 2020-12-03. Review status: criteria provided, single submitter. Criteria: Invitae Variant Classification Sherloc (09022015). Collection method: clinical testing. Allele origin: germline.
Comment: This sequence change affects an acceptor splice site in the last intron (intron 17) of the FYCO1 gene. While this is not anticipated to result in nonsense mediated decay, it likely alters RNA splicing and results in a disrupted protein product. This variant is present in population databases (rs764470073, ExAC 0.002%). This variant has not been reported in the literature in individuals with FYCO1-related conditions. Nucleotide substitutions within the consensus splice site are a relatively common cause of aberrant splicing (PMID: 17576681, 9536098). Algorithms developed to predict the effect of sequence changes on RNA splicing suggest that this variant may disrupt the consensus splice site, but this prediction has not been confirmed by published transcriptional studies. In summary, the available evidence is currently insufficient to determine the role of this variant in disease. Therefore, it has been classified as a Variant of Uncertain Significance.

Laboratoire de Génétique Moléculaire, CHU Bordeaux
Classification: Pathogenic. Review status: criteria provided, single submitter. Criteria: ACMG Guidelines, 2015. Collection method: clinical testing. Allele origin: germline. Affected: yes.

Literature cited by the submitters: PubMed 17576681 (cited by Labcorp Genetics (formerly Invitae), Labcorp); PubMed 9536098 (cited by Labcorp Genetics (formerly Invitae), Labcorp).